The following is an entry in ClinVar:

NM_020297.4(ABCC9):c.4512+744T>A

Genes: ABCC9 (ATP binding cassette subfamily C member 9; minus strand), KCNJ8-AS1 (KCNJ8 antisense RNA 1; plus strand). Cytogenetic location: 12p12.1.
Variant type: single nucleotide variant.
Coding change: c.4512+744T>A on transcript NM_020297.4 (MANE Select); 744 bases into the intron after coding-DNA position 4512, T replaced by A.
Molecular consequence: intron variant. On other transcripts: missense variant (1).
Genome position (GRCh38, 1-based): chr12:21,805,254, A>T on the plus strand (T>A on the coding strand, the complement: ABCC9 is on the minus strand). VCF-style: chr12-21805254-A-T. GRCh37 (hg19) VCF-style: chr12-21958188-A-T.
Other names: c.4570T>A, p.Leu1524Ile (NM_005691.4); c.3645+744T>A (NM_001377274.1); c.4512+744T>A (NM_001377273.1); short protein forms L1524I.
Identifiers: ClinVar variation 192110 (VCV000192110.6), dbSNP rs139703258, ClinGen allele CA238377.

ClinVar aggregate classification (germline): Likely benign (1 of 4 stars; one submission).

Allele frequency attached by ClinVar (database versions not stated): TOPMed 0.00043.

Submission:

Biesecker Lab/Clinical Genomics Section, National Institutes of Health
Classification: Likely benign. Last evaluated: 2013-06-24. Review status: criteria provided, single submitter. Criteria: Ng et al. (Circ Cardiovasc Genet. 2013). Collection method: research. Allele origin: unknown. Observed: 3 variant alleles. Study: ClinSeq.
Comment: The study set was not selected for affection status in relation to any cancer. Pathogenicity categories were based on literature curation. See Pubmed ID:23861362 for details.

Medical sequencing